The following is an entry in ClinVar:

ClinVar aggregate classification (germline): Likely benign (0 of 4 stars; one submission).

Conditions:
KDM3B-related disorder. Also called: KDM3B-related condition.

Allele frequency attached by ClinVar (database versions not stated): gnomAD exomes 0.00008; ExAC 0.00018; TOPMed 0.00094; gnomAD 0.00096; 1000 Genomes Project 0.00100; ESP Exome Variant Server 0.00108; 1000 Genomes Project 30x 0.00156.
gnomAD v4.1: 274 of 1,606,790 alleles (0.017%); highest among the groups gnomAD compares: African/African-American, 0.34%; 2 homozygotes.

Submission:

PreventionGenetics, part of Exact Sciences
Classification: Likely benign for KDM3B-related condition. Last evaluated: 2024-02-17. Review status: no assertion criteria provided. Collection method: clinical testing. Allele origin: germline.
Comment: This variant is classified as likely benign based on ACMG/AMP sequence variant interpretation guidelines (Richards et al. 2015 PMID: 25741868, with internal and published modifications).

NM_016604.4(KDM3B):c.810C>T (p.Ser270=)

Gene: KDM3B (lysine demethylase 3B; plus strand). Cytogenetic location: 5q31.2.
Variant type: single nucleotide variant.
Coding change: c.810C>T on transcript NM_016604.4 (MANE Select); coding-DNA position 810, C replaced by T.
Protein change: p.Ser270=; no amino-acid change (serine 270 retained).
Molecular consequence: synonymous variant.
Genome position (GRCh38, 1-based): chr5:138,386,051, C>T. VCF-style: chr5-138386051-C-T. GRCh37 (hg19) VCF-style: chr5-137721740-C-T.
Identifiers: ClinVar variation 3038562 (VCV003038562.2), dbSNP rs148391987, ClinGen allele CA3428808.
Genomic context (GRCh38, chr5:138,386,051, plus strand): 5'-CTTGTAATCTTTTTTGAATTTTGTTTTGTAGGGGGGTACGTTAAAAGCAGTAAAATCTTC[C>T]AAAGGAAAGAAGAAGAGAGAAAGCATAGAGGGGAAAGATGGCCGGAGGAGGAAAAGTGCT-3'
Protein context (NP_057688.3, residues 260-280): EGGTLKAVKS[Ser270=]KGKKKRESIE